The following is an entry in ClinVar:

NM_014855.3(AP5Z1):c.*2599T>C

Gene: AP5Z1 (adaptor related protein complex 5 subunit zeta 1; plus strand). Cytogenetic location: 7p22.1.
Variant type: single nucleotide variant.
Coding change: c.*2599T>C on transcript NM_014855.3 (MANE Select); 2599 bases downstream of the stop codon, T replaced by C.
Molecular consequence: 3 prime UTR variant. On other transcripts: non-coding transcript variant (1).
Genome position (GRCh38, 1-based): chr7:4,793,984, T>C. VCF-style: chr7-4793984-T-C. GRCh37 (hg19) VCF-style: chr7-4833615-T-C.
Other names: c.*2599T>C (LRG_1247t1, NM_001364858.1).
Identifiers: ClinVar variation 360410 (VCV000360410.5), dbSNP rs143539039, ClinGen allele CA10626198.

ClinVar aggregate classification (germline): Benign (1 of 4 stars; one submission).

Conditions:
Hereditary spastic paraplegia 48. Also called: SPASTIC PARAPLEGIA 48, AUTOSOMAL RECESSIVE; Spastic paraplegia 48. Identifiers: Orphanet 306511, MedGen C3150901, MONDO:0013342, OMIM 613647.

Allele frequency attached by ClinVar (database versions not stated): 1000 Genomes Project 0.02137; 1000 Genomes Project 30x 0.02327; gnomAD 0.02337 and 0.02522; TOPMed 0.02611.

Submission:

Illumina Laboratory Services, Illumina
Classification: Benign for Hereditary spastic paraplegia 48. Last evaluated: 2018-01-13. Review status: criteria provided, single submitter. Criteria: ICSL Variant Classification Criteria 13 December 2019. Collection method: clinical testing. Allele origin: germline.
Comment: This variant was observed in the ICSL laboratory as part of a predisposition screen in an ostensibly healthy population. It had not been previously curated by ICSL or reported in the Human Gene Mutation Database (HGMD: prior to June 1st, 2018), and was therefore a candidate for classification through an automated scoring system. Utilizing variant allele frequency, disease prevalence and penetrance estimates, and inheritance mode, an automated score was calculated to assess if this variant is too frequent to cause the disease. Based on the score and internal cut-off values, a variant classified as benign is not then subjected to further curation. The score for this variant resulted in a classification of benign for this disease.